The following is an entry in ClinVar:

NM_021098.3(CACNA1H):c.5445+6C>T

Gene: CACNA1H (calcium voltage-gated channel subunit alpha1 H; plus strand). Cytogenetic location: 16p13.3.
Variant type: single nucleotide variant.
Coding change: c.5445+6C>T on transcript NM_021098.3 (MANE Select); 6 bases into the intron after coding-DNA position 5445, C replaced by T.
Molecular consequence: intron variant.
Genome position (GRCh38, 1-based): chr16:1,218,046, C>T. VCF-style: chr16-1218046-C-T. GRCh37 (hg19) VCF-style: chr16-1268046-C-T.
Other names: c.5427+6C>T (NM_001005407.2); c.5445+6C>T (NM_021098.2).
Identifiers: ClinVar variation 1133100 (VCV001133100.12), dbSNP rs372544546, ClinGen allele CA7802012.

ClinVar aggregate classification (germline): Likely benign. Review status: criteria provided, multiple submitters, no conflicts (2 of 4 stars). 3 submissions from 3 submitters: Likely benign (2). 1 of the submissions does not count toward it. Last evaluated 2025-10-15.

Conditions:
Hyperaldosteronism, familial, type IV (HALD4). Also called: FH IV; ALDOSTERONISM, PRIMARY, AND HYPERTENSION. Identifiers: Orphanet 642671, MedGen C4310756, MONDO:0014875, OMIM 617027.
Idiopathic generalized epilepsy. Also called: EIG; Generalised epilepsy. Identifiers: MedGen C0270850, MONDO:0005579, OMIM 600669.
CACNA1H-related disorder.
Epilepsy, childhood absence, susceptibility to, 6. Identifiers: Orphanet 64280, MedGen C2749872, MONDO:0012763, OMIM 611942.

Allele frequency attached by ClinVar (database versions not stated): gnomAD exomes 0.00004 and 0.00008; ExAC 0.00015; 1000 Genomes Project 0.00020; ESP Exome Variant Server 0.00024; 1000 Genomes Project 30x 0.00031; TOPMed 0.00037; gnomAD 0.00044 and 0.00048.
gnomAD v4.1: 126 of 1,596,844 alleles (0.0079%); highest among the groups gnomAD compares: African/African-American, 0.14%; no homozygotes.

Submissions (3):

Labcorp Genetics (formerly Invitae), Labcorp
Classification: Likely benign for Idiopathic generalized epilepsy; Hyperaldosteronism, familial, type IV. Last evaluated: 2025-10-15. Review status: criteria provided, single submitter. Criteria: Invitae Variant Classification Sherloc (09022015). Collection method: clinical testing. Allele origin: germline.

Fulgent Genetics
Classification: Likely benign for Epilepsy, childhood absence, susceptibility to, 6; Hyperaldosteronism, familial, type IV. Last evaluated: 2022-05-18. Review status: criteria provided, single submitter. Criteria: ACMG Guidelines, 2015. Collection method: clinical testing. Allele origin: unknown.

PreventionGenetics, part of Exact Sciences
Classification: Likely benign for CACNA1H-related condition. Last evaluated: 2019-07-25. Review status: no assertion criteria provided. Collection method: clinical testing. Allele origin: germline. Not counted in ClinVar's aggregate classification.
Comment: This variant is classified as likely benign based on ACMG/AMP sequence variant interpretation guidelines (Richards et al. 2015 PMID: 25741868, with internal and published modifications).